The following is an entry in ClinVar:

NM_177438.3(DICER1):c.3272A>T (p.Tyr1091Phe)

Gene: DICER1 (dicer 1, ribonuclease III; minus strand). Cytogenetic location: 14q32.13.
Variant type: single nucleotide variant.
Coding change: c.3272A>T on transcript NM_177438.3 (MANE Select); coding-DNA position 3272, A replaced by T.
Protein change: p.Tyr1091Phe; replaces tyrosine 1091 with phenylalanine.
Molecular consequence: missense variant.
Genome position (GRCh38, 1-based): chr14:95,104,124, T>A on the plus strand (A>T on the coding strand, the complement: DICER1 is on the minus strand). VCF-style: chr14-95104124-T-A. GRCh37 (hg19) VCF-style: chr14-95570461-T-A.
Other names: c.3272A>T, p.Tyr1091Phe (NM_001195573.1, NM_001271282.3, NM_001291628.2 and 1 more transcripts); short protein forms Y1091F.
Identifiers: ClinVar variation 477130 (VCV000477130.16), dbSNP rs1442769827, ClinGen allele CA390876128.

ClinVar aggregate classification (germline): Uncertain significance. Review status: criteria provided, multiple submitters, no conflicts (2 of 4 stars). 3 submissions from 3 submitters: Uncertain significance (3). Last evaluated 2025-06-24.

Conditions:
DICER1-related tumor predisposition. Also called: DICER1-related pleuropulmonary blastoma cancer predisposition syndrome; DICER1 syndrome. Identifiers: Orphanet 284343, MedGen C3839822, MONDO:0100216.
Hereditary cancer-predisposing syndrome. Also called: Tumor predisposition; Neoplastic Syndromes, Hereditary; Hereditary Cancer Syndrome; Hereditary neoplastic syndrome. Identifiers: Orphanet 140162, MedGen C0027672, MeSH D009386, MONDO:0015356.

Allele frequency attached by ClinVar (database versions not stated): gnomAD exomes below 0.00001 and 0.00001; TOPMed below 0.00001.
gnomAD v4.1: 1 of 1,611,208 alleles (0.000062%); highest among the groups gnomAD compares: East Asian, 0.0022%; no homozygotes.

Submissions (3):

Quest Diagnostics Nichols Institute San Juan Capistrano
Classification: Uncertain significance. Last evaluated: 2025-06-24. Review status: criteria provided, single submitter. Criteria: Quest Diagnostics criteria. Collection method: clinical testing. Allele origin: unknown.
Comment: The DICER1 c.3272A>T (p.Tyr1091Phe) variant has not been reported in individuals with DICER1-related conditions in the published literature. The frequency of this variant in the general population (Genome Aggregation Database) is uninformative in the assessment of its pathogenicity. Analysis of this variant using bioinformatics tools for the prediction of the effect of amino acid changes on protein structure and function yielded conflicting predictions that this variant is benign or damaging. Based on the available information, we are unable to determine the clinical significance of this variant.

Ambry Genetics
Classification: Uncertain significance for Hereditary cancer-predisposing syndrome. Last evaluated: 2025-03-17. Review status: criteria provided, single submitter. Criteria: Ambry Variant Classification Scheme 2023. Collection method: clinical testing. Allele origin: germline.
Comment: The p.Y1091F variant (also known as c.3272A>T), located in coding exon 20 of the DICER1 gene, results from an A to T substitution at nucleotide position 3272. The tyrosine at codon 1091 is replaced by phenylalanine, an amino acid with highly similar properties. This amino acid position is highly conserved in available vertebrate species. In addition, the in silico prediction for this alteration is inconclusive. Based on the available evidence, the clinical significance of this variant remains unclear.

Labcorp Genetics (formerly Invitae), Labcorp
Classification: Uncertain significance for DICER1-related tumor predisposition. Last evaluated: 2024-07-25. Review status: criteria provided, single submitter. Criteria: Invitae Variant Classification Sherloc (09022015). Collection method: clinical testing. Allele origin: germline.
Comment: This sequence change replaces tyrosine, which is neutral and polar, with phenylalanine, which is neutral and non-polar, at codon 1091 of the DICER1 protein (p.Tyr1091Phe). This variant is present in population databases (no rsID available, gnomAD 0.01%). This variant has not been reported in the literature in individuals affected with DICER1-related conditions. ClinVar contains an entry for this variant (Variation ID: 477130). An algorithm developed to predict the effect of missense changes on protein structure and function (PolyPhen-2) suggests that this variant is likely to be disruptive. In summary, the available evidence is currently insufficient to determine the role of this variant in disease. Therefore, it has been classified as a Variant of Uncertain Significance.